The following is an entry in ClinVar:

ClinVar aggregate classification (germline): Uncertain significance. Review status: criteria provided, multiple submitters, no conflicts (2 of 4 stars). 2 submissions from 2 submitters: Uncertain significance (2). Last evaluated 2025-08-06.

Conditions:
Inborn genetic diseases. Identifiers: MedGen C0950123, MeSH D030342.

Allele frequency attached by ClinVar (database versions not stated): TOPMed 0.00001.
gnomAD v4.1: 7 of 1,613,588 alleles (0.00043%); highest among the groups gnomAD compares: Non-Finnish European, 0.00042%; no homozygotes.

Submissions (2):

Ambry Genetics
Classification: Uncertain significance for Inborn genetic diseases. Last evaluated: 2025-08-06. Review status: criteria provided, single submitter. Criteria: Ambry Variant Classification Scheme 2023. Collection method: clinical testing. Allele origin: germline.

Labcorp Genetics (formerly Invitae), Labcorp
Classification: Uncertain significance. Last evaluated: 2024-04-09. Review status: criteria provided, single submitter. Criteria: Invitae Variant Classification Sherloc (09022015). Collection method: clinical testing. Allele origin: germline.
Comment: This sequence change replaces threonine, which is neutral and polar, with asparagine, which is neutral and polar, at codon 290 of the COL7A1 protein (p.Thr290Asn). This variant is present in population databases (no rsID available, gnomAD 0.0009%). This variant has not been reported in the literature in individuals affected with COL7A1-related conditions. ClinVar contains an entry for this variant (Variation ID: 2198723). Advanced modeling of protein sequence and biophysical properties (such as structural, functional, and spatial information, amino acid conservation, physicochemical variation, residue mobility, and thermodynamic stability) performed at Invitae indicates that this missense variant is not expected to disrupt COL7A1 protein function with a negative predictive value of 95%. In summary, the available evidence is currently insufficient to determine the role of this variant in disease. Therefore, it has been classified as a Variant of Uncertain Significance.

NM_000094.4(COL7A1):c.869C>A (p.Thr290Asn)

Gene: COL7A1 (collagen type VII alpha 1 chain; minus strand). Cytogenetic location: 3p21.31.
Variant type: single nucleotide variant.
Coding change: c.869C>A on transcript NM_000094.4 (MANE Select); coding-DNA position 869, C replaced by A.
Protein change: p.Thr290Asn; replaces threonine 290 with asparagine.
Molecular consequence: missense variant.
Genome position (GRCh38, 1-based): chr3:48,592,677, G>T on the plus strand (C>A on the coding strand, the complement: COL7A1 is on the minus strand). VCF-style: chr3-48592677-G-T. GRCh37 (hg19) VCF-style: chr3-48630110-G-T.
Other names: short protein forms T290N.
Identifiers: ClinVar variation 2198723 (VCV002198723.3), dbSNP rs1370365087, ClinGen allele CA352740484.